The following is an entry in ClinVar:

ClinVar aggregate classification (germline): Likely pathogenic. Review status: criteria provided, multiple submitters, no conflicts (2 of 4 stars). 3 submissions from 3 submitters: Likely pathogenic (3). Last evaluated 2025-04-27.

Conditions:
Polycystic kidney disease 4 (PKD4). Also called: POLYCYSTIC KIDNEY DISEASE 4 WITH OR WITHOUT POLYCYSTIC LIVER DISEASE; PKD3; POLYCYSTIC KIDNEY AND HEPATIC DISEASE 1; POLYCYSTIC KIDNEY DISEASE, INFANTILE, TYPE I; Autosomal Recessive Polycystic Kidney Disease – PKHD1. Identifiers: MedGen C4540575, MONDO:0033004, OMIM 263200.
Autosomal recessive polycystic kidney disease (ARPKD). Also called: AR polycystic kidney disease. Identifiers: Orphanet 731, Orphanet 8378, MedGen C0085548, MeSH D017044, MONDO:0009889.

Submissions (3):

Natera, Inc.
Classification: Likely pathogenic for Autosomal recessive polycystic kidney disease. Last evaluated: 2025-04-27. Review status: criteria provided, single submitter. Criteria: Natera Variant Classification Schema (03/2026). Collection method: clinical testing. Allele origin: germline.
Comment: The c.7757_7761delATGAT variant in PKHD1 is a frameshift variant predicted to shift the reading frame beginning at codon 2586 and leads to a stop codon 5 codons downstream. This variant is expected to result in nonsense mediated decay, truncation, or a dysfunctional protein product. This variant is rare in the general population with a frequency below the threshold expected for the associated phenotype(s). Given the available evidence, this variant is classified as Likely Pathogenic.

Fulgent Genetics
Classification: Likely pathogenic for Polycystic kidney disease 4. Last evaluated: 2024-05-14. Review status: criteria provided, single submitter. Criteria: ACMG Guidelines, 2015. Collection method: clinical testing. Allele origin: germline.

Baylor Genetics
Classification: Likely pathogenic for Polycystic kidney disease 4. Last evaluated: 2023-11-21. Review status: criteria provided, single submitter. Criteria: ACMG Guidelines, 2015. Collection method: clinical testing. Allele origin: unknown.

NM_138694.4(PKHD1):c.7757_7761del (p.Tyr2586fs)

Gene: PKHD1 (PKHD1 ciliary IPT domain containing fibrocystin/polyductin; minus strand). Cytogenetic location: 6p12.2.
Variant type: Deletion.
Coding change: c.7757_7761del on transcript NM_138694.4 (MANE Select); coding-DNA positions 7757 to 7761, 5 bases deleted (ATGAT; older notation c.7757_7761delATGAT).
Protein change: p.Tyr2586fs; shifts the reading frame from tyrosine 2586.
Molecular consequence: frameshift variant.
Genome position (GRCh38, 1-based): chr6:51,856,043-51,856,047, ATCAT deleted on the plus strand (ATGAT on the coding strand, the reverse complement: PKHD1 is on the minus strand); deleting any 5 consecutive bases within chr6:51,856,043-51,856,048 gives the same sequence; the c. name uses the placement nearest the transcript's 3' end. VCF-style (leftmost placement, unchanged base first): chr6-51856042-AATCAT-A. GRCh37 (hg19) VCF-style: chr6-51720840-AATCAT-A.
Other names: c.7757_7761del, p.Tyr2586fs (NM_170724.3); c.7757_7761delATGAT (NM_138694.3); short protein forms Y2586fs.
Identifiers: ClinVar variation 3240151 (VCV003240151.3), dbSNP rs2535815327.
Genomic context (GRCh38, chr6:51,856,042, plus strand): 5'-ACAATGTATCACGTACATAATTGACAGTGGTTGTTTTATTTCTGCTGTCAGTCATGGTTA[AATCAT>A]AAGAAACTTCAGGAGTATTCGCTCTAAGGTGATTTTAAAAGGAAAAAAAATGGGTTGAGA-3'